The following is an entry in ClinVar:

NM_201253.3(CRB1):c.351C>G (p.Asn117Lys)

Gene: CRB1 (crumbs cell polarity complex component 1; plus strand). Cytogenetic location: 1q31.3.
Variant type: single nucleotide variant.
Coding change: c.351C>G on transcript NM_201253.3 (MANE Select); coding-DNA position 351, C replaced by G.
Protein change: p.Asn117Lys; replaces asparagine 117 with lysine.
Molecular consequence: missense variant. On other transcripts: non-coding transcript variant (2).
Genome position (GRCh38, 1-based): chr1:197,328,702, C>G. VCF-style: chr1-197328702-C-G. GRCh37 (hg19) VCF-style: chr1-197297832-C-G.
Other names: c.351C>G, p.Asn117Lys (NM_001193640.2, NM_001257966.2); c.144C>G, p.Asn48Lys (NM_001257965.2); short protein forms N117K, N48K.
Identifiers: ClinVar variation 195443 (VCV000195443.13), dbSNP rs794727317, ClinGen allele CA241866.

ClinVar aggregate classification (germline): Uncertain significance. Review status: criteria provided, multiple submitters, no conflicts (2 of 4 stars). 7 submissions from 5 submitters: Uncertain significance (6). 1 of the submissions does not count toward it. Last evaluated 2024-03-20.

Conditions:
Leber congenital amaurosis 8 (LCA8). Identifiers: Orphanet 65, MedGen C3151202, MONDO:0013453, OMIM 613835.
Retinitis pigmentosa 12 (RP12). Also called: RP WITH OR WITHOUT PRESERVED PARAARTERIOLE RETINAL PIGMENT EPITHELIUM; RETINITIS PIGMENTOSA WITH OR WITHOUT PARAARTERIOLAR PRESERVATION OF RETINAL PIGMENT EPITHELIUM; RP WITH OR WITHOUT PPRPE. Identifiers: Orphanet 791, MedGen C1838647, MONDO:0010818, OMIM 600105.
Leber congenital amaurosis (LCA). Also called: Leber's amaurosis. Identifiers: Orphanet 65, MedGen C0339527, MeSH D057130, MONDO:0018998.
Pigmented paravenous retinochoroidal atrophy. Identifiers: Orphanet 251295, MedGen C1868310, MONDO:0008246, OMIM 172870.

Allele frequency attached by ClinVar (database versions not stated): gnomAD exomes below 0.00001.
gnomAD v4.1: 8 of 1,613,150 alleles (0.0005%); highest among the groups gnomAD compares: African/African-American, 0.004%; no homozygotes.

Submissions (7):

Blueprint Genetics
Classification: Uncertain significance. Last evaluated: 2024-03-20. Review status: criteria provided, single submitter. Criteria: ACMG Guidelines, 2015. Collection method: clinical testing. Allele origin: germline.

Genome-Nilou Lab
Classification: Uncertain significance for Leber congenital amaurosis 8. Last evaluated: 2023-04-11. Review status: criteria provided, single submitter. Criteria: ACMG Guidelines, 2015. Collection method: clinical testing. Allele origin: germline. Affected: no.

Genome-Nilou Lab
Classification: Uncertain significance for Pigmented paravenous retinochoroidal atrophy. Last evaluated: 2023-04-11. Review status: criteria provided, single submitter. Criteria: ACMG Guidelines, 2015. Collection method: clinical testing. Allele origin: germline. Affected: no.

Genome-Nilou Lab
Classification: Uncertain significance for Retinitis pigmentosa 12. Last evaluated: 2023-04-11. Review status: criteria provided, single submitter. Criteria: ACMG Guidelines, 2015. Collection method: clinical testing. Allele origin: germline. Affected: no.

Labcorp Genetics (formerly Invitae), Labcorp
Classification: Uncertain significance for Leber congenital amaurosis 8; Retinitis pigmentosa 12. Last evaluated: 2022-09-27. Review status: criteria provided, single submitter. Criteria: Invitae Variant Classification Sherloc (09022015). Collection method: clinical testing. Allele origin: germline.
Comment: This sequence change replaces asparagine, which is neutral and polar, with lysine, which is basic and polar, at codon 117 of the CRB1 protein (p.Asn117Lys). This variant is not present in population databases (gnomAD no frequency). This variant has not been reported in the literature in individuals affected with CRB1-related conditions. ClinVar contains an entry for this variant (Variation ID: 195443). Algorithms developed to predict the effect of missense changes on protein structure and function (SIFT, PolyPhen-2, Align-GVGD) all suggest that this variant is likely to be tolerated. In summary, the available evidence is currently insufficient to determine the role of this variant in disease. Therefore, it has been classified as a Variant of Uncertain Significance.

Eurofins Ntd Llc (ga)
Classification: Uncertain significance. Last evaluated: 2014-10-20. Review status: criteria provided, single submitter. Criteria: EGL Classification Definitions 2015. Collection method: clinical testing. Allele origin: germline. Observed: 1 variant allele, 1 heterozygote.

Natera, Inc.
Classification: Uncertain significance for Leber congenital amaurosis. Last evaluated: 2020-01-24. Review status: no assertion criteria provided. Collection method: clinical testing. Allele origin: germline. Not counted in ClinVar's aggregate classification.